The following is an entry in ClinVar:

ClinVar aggregate classification (germline): Benign/Likely benign. Review status: criteria provided, multiple submitters, no conflicts (2 of 4 stars). 4 submissions from 4 submitters: Benign (3); Likely benign (1). Last evaluated 2026-02-04.

Conditions:
Ellis-van Creveld syndrome (EVC). Also called: Chondroectodermal dysplasia; MESOECTODERMAL DYSPLASIA. Identifiers: Orphanet 289, MedGen C0013903, MONDO:0009162, OMIM 225500.
Curry-Hall syndrome (WAD). Also called: WEYERS ACRODENTAL DYSOSTOSIS. Identifiers: Orphanet 952, MedGen C0457013, MONDO:0008673, OMIM 193530.

Submissions (4):

Labcorp Genetics (formerly Invitae), Labcorp
Classification: Benign for Curry-Hall syndrome; Ellis-van Creveld syndrome. Last evaluated: 2026-02-04. Review status: criteria provided, single submitter. Criteria: Invitae Variant Classification Sherloc (09022015). Collection method: clinical testing. Allele origin: germline.

Blueprint Genetics
Classification: Likely benign. Last evaluated: 2024-10-18. Review status: criteria provided, single submitter. Criteria: ACMG Guidelines, 2015. Collection method: clinical testing. Allele origin: germline.

ARUP Laboratories, Molecular Genetics and Genomics, ARUP Laboratories
Classification: Benign. Last evaluated: 2024-08-13. Review status: criteria provided, single submitter. Criteria: ARUP Molecular Germline Variant Investigation Process 2024. Collection method: clinical testing. Allele origin: germline.

GeneDx
Classification: Benign. Last evaluated: 2018-01-08. Review status: criteria provided, single submitter. Criteria: GeneDx Variant Classification (06012015). Collection method: clinical testing. Allele origin: germline. Affected: yes.
Comment: This variant is considered likely benign or benign based on one or more of the following criteria: it is a conservative change, it occurs at a poorly conserved position in the protein, it is predicted to be benign by multiple in silico algorithms, and/or has population frequency not consistent with disease.

NM_147127.5(EVC2):c.451-16_451-15del

Gene: EVC2 (EvC ciliary complex subunit 2; minus strand). Cytogenetic location: 4p16.2.
Variant type: Deletion.
Coding change: c.451-16_451-15del on transcript NM_147127.5 (MANE Select); 16 bases into the intron before coding-DNA position 451 through 15 bases into the intron before coding-DNA position 451, 2 bases deleted (TT; older notation c.451-16_451-15delTT).
Molecular consequence: intron variant.
Genome position (GRCh38, 1-based): chr4:5,691,348-5,691,349, AA deleted on the plus strand (TT on the coding strand, the reverse complement: EVC2 is on the minus strand); deleting any 2 consecutive bases within chr4:5,691,348-5,691,351 gives the same sequence; the c. name uses the placement nearest the transcript's 3' end. VCF-style (leftmost placement, unchanged base first): chr4-5691347-TAA-T. GRCh37 (hg19) VCF-style: chr4-5693074-TAA-T.
Other names: c.211-16_211-15del (NM_001166136.2); c.451-16_451-15delTT (NM_147127.4).
Identifiers: ClinVar variation 516540 (VCV000516540.20), dbSNP rs377541465, ClinGen allele CA2835446.
Genomic context (GRCh38, chr4:5,691,347, plus strand): 5'-ACTCCATTTTCAGAAGTCCCTTGAACTTCTCTTGAAATGTCCCCATACTACAATAAAATG[TAA>T]AAGTTATTAGAAAATGAGAAATATTTCATGCTATACATATTTAATAAAAGTACAAGATAA-3'